The following is an entry in ClinVar:

NM_001197104.2(KMT2A):c.7490T>C (p.Met2497Thr)

Gene: KMT2A (lysine methyltransferase 2A; plus strand). Cytogenetic location: 11q23.3.
Variant type: single nucleotide variant.
Coding change: c.7490T>C on transcript NM_001197104.2 (MANE Select); coding-DNA position 7490, T replaced by C.
Protein change: p.Met2497Thr; replaces methionine 2497 with threonine.
Molecular consequence: missense variant.
Genome position (GRCh38, 1-based): chr11:118,503,382, T>C. VCF-style: chr11-118503382-T-C. GRCh37 (hg19) VCF-style: chr11-118374097-T-C.
Other names: c.7580T>C, p.Met2527Thr (NM_001412597.1); c.7481T>C, p.Met2494Thr (NM_005933.4); short protein forms M2494T, M2497T, M2527T.
Identifiers: ClinVar variation 4771356 (VCV004771356.1).

ClinVar aggregate classification (germline): Uncertain significance (1 of 4 stars; one submission).

gnomAD v4.1: 1 of 1,614,126 alleles (0.000062%); highest among the groups gnomAD compares: Non-Finnish European, 0.000085%; no homozygotes.

Submission:

Labcorp Genetics (formerly Invitae), Labcorp
Classification: Uncertain significance. Last evaluated: 2025-10-31. Review status: criteria provided, single submitter. Criteria: Invitae Variant Classification Sherloc (09022015). Collection method: clinical testing. Allele origin: germline.
Comment: This sequence change replaces methionine, which is neutral and non-polar, with threonine, which is neutral and polar, at codon 2497 of the KMT2A protein (p.Met2497Thr). This variant is not present in population databases (gnomAD no frequency). This variant has not been reported in the literature in individuals affected with KMT2A-related conditions. Invitae Evidence Modeling of protein sequence and biophysical properties (such as structural, functional, and spatial information, amino acid conservation, physicochemical variation, residue mobility, and thermodynamic stability) indicates that this missense variant is not expected to disrupt KMT2A protein function with a negative predictive value of 95%. In summary, the available evidence is currently insufficient to determine the role of this variant in disease. Therefore, it has been classified as a Variant of Uncertain Significance.